The following is an entry in ClinVar:

ClinVar aggregate classification (germline): Uncertain significance. Review status: criteria provided, multiple submitters, no conflicts (2 of 4 stars). 2 submissions from 2 submitters: Uncertain significance (2). Last evaluated 2024-06-02.

Allele frequency attached by ClinVar (database versions not stated): gnomAD 0.00001; gnomAD exomes 0.00001 and 0.00002; TOPMed 0.00001; ExAC 0.00002.
gnomAD v4.1: 6 of 1,613,836 alleles (0.00037%); highest among the groups gnomAD compares: Admixed American, 0.01%; no homozygotes.

Submissions (2):

Labcorp Genetics (formerly Invitae), Labcorp
Classification: Uncertain significance. Last evaluated: 2024-06-02. Review status: criteria provided, single submitter. Criteria: Invitae Variant Classification Sherloc (09022015). Collection method: clinical testing. Allele origin: germline.
Comment: This sequence change falls in intron 20 of the TECTA gene. It does not directly change the encoded amino acid sequence of the TECTA protein. This variant is present in population databases (rs755918954, gnomAD 0.01%). This variant has not been reported in the literature in individuals affected with TECTA-related conditions. ClinVar contains an entry for this variant (Variation ID: 1702579). Algorithms developed to predict the effect of sequence changes on RNA splicing suggest that this variant may disrupt the consensus splice site. In summary, the available evidence is currently insufficient to determine the role of this variant in disease. Therefore, it has been classified as a Variant of Uncertain Significance.

GeneDx
Classification: Uncertain significance. Last evaluated: 2022-02-21. Review status: criteria provided, single submitter. Criteria: GeneDx Variant Classification Process June 2021. Collection method: clinical testing. Allele origin: germline. Affected: yes.
Comment: In silico analysis supports that this variant does not alter splicing; Has not been previously published as pathogenic or benign to our knowledge

NM_005422.4(TECTA):c.6163-13T>C

Genes: TBCEL-TECTA (TBCEL-TECTA readthrough; plus strand), TECTA (tectorin alpha; plus strand). Cytogenetic location: 11q23.3.
Variant type: single nucleotide variant.
Coding change: c.6163-13T>C on transcript NM_005422.4 (MANE Select); 13 bases into the intron before coding-DNA position 6163, T replaced by C.
Molecular consequence: intron variant.
Genome position (GRCh38, 1-based): chr11:121,189,067, T>C. VCF-style: chr11-121189067-T-C. GRCh37 (hg19) VCF-style: chr11-121059776-T-C.
Other names: c.7105-13T>C (NM_001378761.1).
Identifiers: ClinVar variation 1702579 (VCV001702579.4), dbSNP rs755918954, ClinGen allele CA6327908.